The following is an entry in ClinVar:

NM_001355436.2(SPTB):c.5153del (p.Met1718fs)

Gene: SPTB (spectrin beta, erythrocytic; minus strand). Cytogenetic location: 14q23.3.
Variant type: Deletion.
Coding change: c.5153del on transcript NM_001355436.2 (MANE Select); coding-DNA position 5153, one base deleted (T; older notation c.5153delT).
Protein change: p.Met1718fs; shifts the reading frame from methionine 1718.
Molecular consequence: frameshift variant.
Genome position (GRCh38, 1-based): chr14:64,773,245, A deleted on the plus strand (T on the coding strand, the reverse complement: SPTB is on the minus strand). VCF-style (leftmost placement, unchanged base first): chr14-64773244-CA-C. GRCh37 (hg19) VCF-style: chr14-65239962-CA-C.
Other names: c.5153del, p.Met1718fs (NM_001024858.4, NM_001355437.2); short protein forms M1718fs.
Identifiers: ClinVar variation 5002889 (VCV005002889.1).

ClinVar aggregate classification (germline): Likely pathogenic (1 of 4 stars; one submission).

Conditions:
Hereditary spherocytosis type 2. Also called: SPHEROCYTOSIS, TYPE 2, AUTOSOMAL DOMINANT. Identifiers: Orphanet 822, MedGen C2674219, MONDO:0000913, OMIM 616649.

Submission:

OLLIN Analises Genomicas, OLLIN
Classification: Likely pathogenic for Hereditary spherocytosis type 2. Last evaluated: 2026-08-06. Review status: criteria provided, single submitter. Criteria: ACMG Guidelines 2015 PMID 25741868. Collection method: clinical testing. Allele origin: germline. Inheritance: Autosomal dominant inheritance.
Comment: This frameshift variant, located in exon 25 (of 36), is absent from gnomAD and ClinVar and has not been identified in the literature. This variant causes a frameshift and introduces a premature stop codon, which is predicted to result in either a truncated protein or degradation of the mRNA via nonsense-mediated decay (NMD). According to the currently available evidence, this variant has been classified as likely pathogenic (PVS1, PM2_P).